The following is an entry in ClinVar:

NM_001024845.3(SLC6A9):c.1525_1526del (p.Ala509fs)

Gene: SLC6A9 (solute carrier family 6 member 9; minus strand). Cytogenetic location: 1p34.1.
Variant type: Deletion.
Coding change: c.1525_1526del on transcript NM_001024845.3 (MANE Select); coding-DNA positions 1525 to 1526, 2 bases deleted (GC; older notation c.1525_1526delGC).
Protein change: p.Ala509fs; shifts the reading frame from alanine 509.
Molecular consequence: frameshift variant. On other transcripts: non-coding transcript variant (1).
Genome position (GRCh38, 1-based): chr1:44,000,777-44,000,778, GC deleted on the plus strand (GC on the coding strand, the reverse complement: SLC6A9 is on the minus strand); deleting any 2 consecutive bases within chr1:44,000,777-44,000,779 gives the same sequence; the c. name uses the placement nearest the transcript's 3' end. VCF-style (leftmost placement, unchanged base first): chr1-44000776-GGC-G. GRCh37 (hg19) VCF-style: chr1-44466448-GGC-G.
Other names: c.1537_1538del, p.Ala513fs (NM_001261380.2); c.1192_1193del, p.Ala398fs (NM_001328626.2, NM_001328630.2); c.1462_1463del, p.Ala488fs (NM_001328627.1); c.1330_1331del, p.Ala444fs (NM_001328628.1); c.1525_1526del, p.Ala509fs (NM_001328629.1); c.1582_1583del, p.Ala528fs (NM_006934.4); c.1744_1745del, p.Ala582fs (NM_201649.4); short protein forms A398fs, A444fs, A488fs, A509fs, A513fs, A528fs, A582fs.
Identifiers: ClinVar variation 1699386 (VCV001699386.3), dbSNP rs749973223, ClinGen allele CA817459.

ClinVar aggregate classification (germline): Uncertain significance (1 of 4 stars; one submission).

Conditions:
Atypical glycine encephalopathy. Also called: Glycine encephalopathy with normal serum glycine. Identifiers: Orphanet 289863, MedGen C4310943, MONDO:0015010, OMIM 617301.

Submission:

Victorian Clinical Genetics Services, Murdoch Childrens Research Institute
Classification: Uncertain significance for Atypical glycine encephalopathy. Last evaluated: 2020-05-25. Review status: criteria provided, single submitter. Criteria: ACMG Guidelines, 2015. Collection method: clinical testing. Allele origin: germline. Inheritance: Autosomal recessive inheritance.
Comment: A heterozygous deletion variant was identified, NM_001024845.2(SLC6A9):c.1525_1526del in exon 12 of 14 of the SLC6A9 gene. This deletion is predicted to cause a frameshift from amino acid position 509 introducing a stop codon 93 residues downstream, NP_001020016.1(SLC6A9):p.(Ala509Hisfs*93), resulting in loss of normal protein function through truncation (less than 1/3 of protein affected). The variant is present in the gnomAD population database at a frequency of 0.0004% (1 heterozygote, 0 homozygotes). It has not been previously observed in clinical cases. Based on information available at the time of curation, this variant has been classified as a VARIANT of UNCERTAIN SIGNIFICANCE (VUS).